The following is an entry in ClinVar:

ClinVar aggregate classification (germline): Pathogenic (1 of 4 stars; one submission).

Conditions:
Deficiency of hydroxymethylglutaryl-CoA lyase (HMGCLD). Also called: Defect in leucine metabolism; 3-hydroxy-3-methylglutaric aciduria; HMG-CoA LYASE DEFICIENCY; HMGCL DEFICIENCY; HYDROXYMETHYLGLUTARIC ACIDURIA. Identifiers: Orphanet 20, MedGen C1533587, MONDO:0009520, OMIM 246450.

Submission:

Myriad Genetics, Inc.
Classification: Pathogenic for Deficiency of hydroxymethylglutaryl-CoA lyase. Last evaluated: 2026-01-21. Review status: criteria provided, single submitter. Criteria: Myriad Autosomal Dominant, Autosomal Recessive and X-Linked Classification Criteria (2023). Collection method: clinical testing. Allele origin: unknown.
Comment: NM_000191.2(HMGCL):c.473dupA(S159Vfs*19) is a frameshift variant classified as pathogenic in the context of HMG-CoA lyase deficiency. S159Vfs*19 has not been observed in cases with relevant disease. Relevant functional assessments of this variant are not available in the literature. S159Vfs*19 has not been observed in referenced population frequency databases. In summary, NM_000191.2(HMGCL):c.473dupA(S159Vfs*19) is a frameshift variant in a gene where loss of function is a known mechanism of disease and is predicted to disrupt protein function. Please note: this variant was assessed in the context of healthy population screening.

NM_000191.3(HMGCL):c.473dup (p.Ser159fs)

Gene: HMGCL (3-hydroxy-3-methylglutaryl-CoA lyase; minus strand). Cytogenetic location: 1p36.11.
Variant type: Duplication.
Coding change: c.473dup on transcript NM_000191.3 (MANE Select); coding-DNA position 473, one base duplicated (A; older notation c.473dupA).
Protein change: p.Ser159fs; shifts the reading frame from serine 159.
Molecular consequence: frameshift variant. On other transcripts: intron variant (1).
Genome position (GRCh38, 1-based): chr1:23,814,214, T duplicated on the plus strand (A on the coding strand, the reverse complement: HMGCL is on the minus strand). VCF-style (leftmost placement, unchanged base first): chr1-23814213-C-CT. GRCh37 (hg19) VCF-style: chr1-24140703-C-CT.
Other names: c.348+2461dup (NM_001166059.2); short protein forms S159fs.
Identifiers: ClinVar variation 5004404 (VCV005004404.1).